The following is an entry in ClinVar:

NC_000011.9:g.(?_47467519)_(47469609_?)del

Gene: RAPSN (receptor associated protein of the synapse; minus strand). Cytogenetic location: 11p11.2.
Variant type: Deletion.
Identifiers: ClinVar variation 2425289 (VCV002425289.6).

ClinVar aggregate classification (germline): Pathogenic (1 of 4 stars; one submission).

Conditions:
Congenital myasthenic syndrome 11. Also called: MYASTHENIC SYNDROME, CONGENITAL, Ie; Myasthenic syndrome, congenital, 11, associated with acetylcholine receptor deficiency. Identifiers: Orphanet 590, MedGen C4225367, MONDO:0014588, OMIM 616326.
Fetal akinesia deformation sequence 1 (FADS1). Also called: Pena-Shokeir syndrome type I; Fetal akinesia sequence. Identifiers: Orphanet 994, MedGen C1276035, MONDO:0100101, OMIM 208150, HP:0001989.

Submission:

Labcorp Genetics (formerly Invitae), Labcorp
Classification: Pathogenic for Congenital myasthenic syndrome 11; Fetal akinesia deformation sequence 1. Last evaluated: 2021-11-03. Review status: criteria provided, single submitter. Criteria: Invitae Variant Classification Sherloc (09022015). Collection method: clinical testing. Allele origin: germline.
Comment: This variant results in the deletion of part of exon2 (c.286_531+1845delinsACAG) of the RAPSN gene. It is expected to disrupt RNA splicing. Variants that disrupt the donor or acceptor splice site typically lead to a loss of protein function (PMID: 16199547), and loss-of-function variants in RAPSN are known to be pathogenic (PMID: 17686188). This variant has not been reported in the literature in individuals affected with RAPSN-related conditions. This variant disrupts a region of the RAPSN protein in which other variant(s) (p.Val165Met) have been determined to be pathogenic (PMID: 12807980, 19620612, 26927095, 29054425, 30266223). This suggests that this is a clinically significant region of the protein, and that variants that disrupt it are likely to be disease-causing. For these reasons, this variant has been classified as Pathogenic.

Literature cited by the submitters: PubMed 16199547; PubMed 17686188; PubMed 12807980; PubMed 19620612; PubMed 26927095; PubMed 29054425; PubMed 30266223.